The following is an entry in ClinVar:

ClinVar aggregate classification (germline): Uncertain significance (1 of 4 stars; one submission).

gnomAD v4.1: 4 of 1,536,392 alleles (0.00026%); highest among the groups gnomAD compares: South Asian, 0.0051%; no homozygotes.

Submission:

Labcorp Genetics (formerly Invitae), Labcorp
Classification: Uncertain significance. Last evaluated: 2024-06-13. Review status: criteria provided, single submitter. Criteria: Invitae Variant Classification Sherloc (09022015). Collection method: clinical testing. Allele origin: germline.
Comment: This sequence change falls in intron 13 of the NALCN gene. It does not directly change the encoded amino acid sequence of the NALCN protein. It affects a nucleotide within the consensus splice site. The frequency data for this variant in the population databases is considered unreliable, as metrics indicate poor data quality at this position in the gnomAD database. This variant has not been reported in the literature in individuals affected with NALCN-related conditions. Variants that disrupt the consensus splice site are a relatively common cause of aberrant splicing (PMID: 17576681, 9536098). Algorithms developed to predict the effect of sequence changes on RNA splicing suggest that this variant may disrupt the consensus splice site. In summary, the available evidence is currently insufficient to determine the role of this variant in disease. Therefore, it has been classified as a Variant of Uncertain Significance.

Literature cited by the submitters: PubMed 17576681; PubMed 9536098.

NM_052867.4(NALCN):c.1626+3A>G

Gene: NALCN (sodium leak channel, non-selective; minus strand). Cytogenetic location: 13q33.1.
Variant type: single nucleotide variant.
Coding change: c.1626+3A>G on transcript NM_052867.4 (MANE Select); 3 bases into the intron after coding-DNA position 1626, A replaced by G.
Molecular consequence: intron variant.
Genome position (GRCh38, 1-based): chr13:101,229,390, T>C on the plus strand (A>G on the coding strand, the complement: NALCN is on the minus strand). VCF-style: chr13-101229390-T-C. GRCh37 (hg19) VCF-style: chr13-101881741-T-C.
Other names: c.1539+3A>G (NM_001350751.2, NM_001350750.2); c.1626+3A>G (NM_001350749.2, NM_001350748.2).
Identifiers: ClinVar variation 3669114 (VCV003669114.2).